The following is an entry in ClinVar:

NM_014956.5(CEP164):c.1274A>T (p.Asp425Val)

Gene: CEP164 (centrosomal protein 164; plus strand). Cytogenetic location: 11q23.3.
Variant type: single nucleotide variant.
Coding change: c.1274A>T on transcript NM_014956.5 (MANE Select); coding-DNA position 1274, A replaced by T.
Protein change: p.Asp425Val; replaces aspartic acid 425 with valine.
Molecular consequence: missense variant.
Genome position (GRCh38, 1-based): chr11:117,375,748, A>T. VCF-style: chr11-117375748-A-T. GRCh37 (hg19) VCF-style: chr11-117246464-A-T.
Other names: c.1274A>T, p.Asp425Val (NM_001271933.2, NM_001440949.1, NM_001440950.1 and 16 more transcripts); c.1196A>T, p.Asp399Val (NM_001440952.1, NM_001440954.1, NM_001440955.1 and 16 more transcripts); c.1136A>T, p.Asp379Val (NM_001440960.1); c.1115A>T, p.Asp372Val (NM_001440972.1); short protein forms D372V, D379V, D399V, D425V.
Identifiers: ClinVar variation 5000938 (VCV005000938.1).
Genomic context (GRCh38, chr11:117,375,748, plus strand): 5'-TGCATCTCCACTGTCTCCAGGACTTCGGTTTTCGCAGCCGGATCTCGGAGCACCTGCTGG[A>T]TGTTGATGTGCTTTCCCCAGTCCTGGGTGGAGCTTGTCGGCAGGTGAGTTTCTGTGGGTG-3'
Protein context (NP_055771.4, residues 415-435): FRSRISEHLL[Asp425Val]VDVLSPVLGG

ClinVar aggregate classification (germline): Uncertain significance (1 of 4 stars; one submission).

Conditions:
CEP164-related disorder. Also called: CEP164-related condition.

Submission:

PreventionGenetics, part of Exact Sciences
Classification: Uncertain significance for CEP164-related condition. Last evaluated: 2026-07-01. Review status: criteria provided, single submitter. Criteria: ACMG Guidelines, 2015. Collection method: clinical testing. Allele origin: germline.
Comment: The CEP164 c.1274A>T variant is predicted to result in the amino acid substitution p.Asp425Val. To our knowledge, this variant has not been reported in the literature or in a large population database (gnomAD), indicating this variant is rare. At this time, the clinical significance of this variant is uncertain due to the absence of conclusive functional and genetic evidence.